The following is an entry in ClinVar:

ClinVar aggregate classification (germline): Pathogenic/Likely pathogenic. Review status: criteria provided, multiple submitters, no conflicts (2 of 4 stars). 5 submissions from 5 submitters: Pathogenic (3); Likely pathogenic (2). Last evaluated 2025-08-16.

Conditions:
Aplastic anemia. Identifiers: Orphanet 182040, Orphanet 88, MedGen C0002874, MONDO:0015909, OMIM 609135, HP:0001915.
Microcephaly, normal intelligence and immunodeficiency (NBS). Also called: IMMUNODEFICIENCY, MICROCEPHALY, AND CHROMOSOMAL INSTABILITY; SEEMANOVA SYNDROME II; Immunodeficiency, microcephaly with normal intelligence; Ataxia telangiectasia variant V1; Nijmegen breakage syndrome; Microcephaly with normal intelligence immunodeficiency and lymphoreticular malignancies. Identifiers: Orphanet 647, MedGen C0398791, MONDO:0009623, OMIM 251260.
Hereditary cancer-predisposing syndrome. Also called: Hereditary neoplastic syndrome; Neoplastic Syndromes, Hereditary; Tumor predisposition; Hereditary Cancer Syndrome. Identifiers: Orphanet 140162, MedGen C0027672, MeSH D009386, MONDO:0015356.

Allele frequency attached by ClinVar (database versions not stated): gnomAD exomes below 0.00001; TOPMed below 0.00001; gnomAD 0.00001.

Submissions (5):

Labcorp Genetics (formerly Invitae), Labcorp
Classification: Pathogenic for Microcephaly, normal intelligence and immunodeficiency. Last evaluated: 2025-08-16. Review status: criteria provided, single submitter. Criteria: Invitae Variant Classification Sherloc (09022015). Collection method: clinical testing. Allele origin: germline.
Comment: This sequence change creates a premature translational stop signal (p.Glu573Argfs*5) in the NBN gene. It is expected to result in an absent or disrupted protein product. Loss-of-function variants in NBN are known to be pathogenic (PMID: 9590180, 16415040). This variant is present in population databases (no rsID available, gnomAD 0.007%). This variant has not been reported in the literature in individuals affected with NBN-related conditions. ClinVar contains an entry for this variant (Variation ID: 411780). For these reasons, this variant has been classified as Pathogenic.

Baylor Genetics
Classification: Likely pathogenic for Aplastic anemia. Last evaluated: 2023-04-19. Review status: criteria provided, single submitter. Criteria: ACMG Guidelines, 2015. Collection method: clinical testing. Allele origin: unknown.

Ambry Genetics
Classification: Pathogenic for Hereditary cancer-predisposing syndrome. Last evaluated: 2023-03-16. Review status: criteria provided, single submitter. Criteria: Ambry Variant Classification Scheme 2023. Collection method: clinical testing. Allele origin: germline.
Comment: The c.1716dupA pathogenic mutation, located in coding exon 11 of the NBN gene, results from a duplication of A at nucleotide position 1716, causing a translational frameshift with a predicted alternate stop codon (p.E573Rfs*5). This alteration is expected to result in loss of function by premature protein truncation or nonsense-mediated mRNA decay. As such, this alteration is interpreted as a disease-causing mutation.

Genome-Nilou Lab
Classification: Pathogenic for Microcephaly, normal intelligence and immunodeficiency. Last evaluated: 2021-11-07. Review status: criteria provided, single submitter. Criteria: ACMG Guidelines, 2015. Collection method: clinical testing. Allele origin: germline. Affected: no.

GeneDx
Classification: Likely pathogenic. Last evaluated: 2021-10-26. Review status: criteria provided, single submitter. Criteria: GeneDx Variant Classification Process June 2021. Collection method: clinical testing. Allele origin: germline. Affected: yes.
Comment: Frameshift variant predicted to result in protein truncation or nonsense mediated decay in a gene for which loss-of-function is a known mechanism of disease; Not observed at significant frequency in large population cohorts (Lek et al., 2016); Has not been previously published as pathogenic or benign to our knowledge

Literature cited by the submitters: PubMed 9590180 (cited by Labcorp Genetics (formerly Invitae), Labcorp); PubMed 16415040 (cited by Labcorp Genetics (formerly Invitae), Labcorp).

NM_002485.5(NBN):c.1716dup (p.Glu573fs)

Gene: NBN (nibrin; minus strand). Cytogenetic location: 8q21.3.
Variant type: Duplication.
Coding change: c.1716dup on transcript NM_002485.5 (MANE Select); coding-DNA position 1716, one base duplicated (A; older notation c.1716dupA).
Protein change: p.Glu573fs; shifts the reading frame from glutamic acid 573.
Molecular consequence: frameshift variant.
Genome position (GRCh38, 1-based): chr8:89,953,373, T duplicated on the plus strand (A on the coding strand, the reverse complement: NBN is on the minus strand). VCF-style (leftmost placement, unchanged base first): chr8-89953372-C-CT. GRCh37 (hg19) VCF-style: chr8-90965600-C-CT.
Other names: c.1716dupA (NM_002485.4); c.1470dup, p.Glu491fs (NM_001024688.3); short protein forms E491fs, E573fs.
Identifiers: ClinVar variation 411780 (VCV000411780.24), dbSNP rs1060503483, ClinGen allele CA16612533.